The following is an entry in ClinVar:

ClinVar aggregate classification (germline): Benign. Review status: criteria provided, multiple submitters, no conflicts (2 of 4 stars). 2 submissions from 2 submitters: Benign (2). Last evaluated 2018-06-14.

Allele frequency attached by ClinVar (database versions not stated): 1000 Genomes Project 30x 0.08542; 1000 Genomes Project 0.08626; gnomAD 0.14197 and 0.14482; TOPMed 0.14812; gnomAD exomes 0.19381.
gnomAD v4.1: 280,513 of 1,492,370 alleles (19%); highest among the groups gnomAD compares: Non-Finnish European, 22%; 30,245 homozygotes.

Submissions (2):

GeneDx
Classification: Benign. Last evaluated: 2018-06-14. Review status: criteria provided, single submitter. Criteria: GeneDx Variant Classification (06012015). Collection method: clinical testing. Allele origin: germline. Affected: yes.
Comment: This variant is considered likely benign or benign based on one or more of the following criteria: it is a conservative change, it occurs at a poorly conserved position in the protein, it is predicted to be benign by multiple in silico algorithms, and/or has population frequency not consistent with disease.

Breakthrough Genomics
Classification: Benign. Review status: criteria provided, single submitter. Criteria: ACMG Guidelines, 2015. Collection method: not provided. Allele origin: germline. Inheritance: Autosomal dominant inheritance. Affected: yes.

NM_015443.4(KANSL1):c.2392+81A>G

Gene: KANSL1 (KAT8 regulatory NSL complex subunit 1). Cytogenetic location: 17q21.31.
Variant type: single nucleotide variant.
Coding change: c.2392+81A>G on transcript NM_015443.4 (MANE Select); 81 bases into the intron after coding-DNA position 2392, A replaced by G.
Molecular consequence: intron variant.
Genome position (GRCh38, 1-based): chr17:46,038,946, T>C on the plus strand (A>G on the coding strand, the complement: KANSL1 is on the minus strand). VCF-style: chr17-46038946-T-C. GRCh37 (hg19) VCF-style: chr17-44116312-T-C.
Other names: c.2392+81A>G (NM_001193465.2, NM_001379198.1, NM_001193466.2).
Identifiers: ClinVar variation 670661 (VCV000670661.2), dbSNP rs62062136, ClinGen allele CA15891973.